The following is an entry in ClinVar:

NM_213655.5(WNK1):c.3514C>T (p.His1172Tyr)

Gene: WNK1 (WNK lysine deficient protein kinase 1; plus strand). Cytogenetic location: 12p13.33.
Variant type: single nucleotide variant.
Coding change: c.3514C>T on transcript NM_213655.5 (MANE Plus Clinical); coding-DNA position 3514, C replaced by T.
Protein change: p.His1172Tyr; replaces histidine 1172 with tyrosine.
Molecular consequence: missense variant. On other transcripts: intron variant (2).
Genome position (GRCh38, 1-based): chr12:868,985, C>T. VCF-style: chr12-868985-C-T. GRCh37 (hg19) VCF-style: chr12-978151-C-T.
Other names: c.3259C>T, p.His1087Tyr (NM_001184985.2); c.2140-2280C>T (NM_018979.4, NM_014823.3); short protein forms H1087Y, H1172Y.
Identifiers: ClinVar variation 3758707 (VCV003758707.2).

ClinVar aggregate classification (germline): Uncertain significance (1 of 4 stars; one submission).

Conditions:
Neuropathy, hereditary sensory and autonomic, type 2A (HSAN2A). Also called: ACROOSTEOLYSIS, GIACCAI TYPE; ACROOSTEOLYSIS, NEUROGENIC; MORVAN DISEASE; NEUROPATHY, CONGENITAL SENSORY; NEUROPATHY, HEREDITARY SENSORY RADICULAR, AUTOSOMAL RECESSIVE; NEUROPATHY, HEREDITARY SENSORY, TYPE IIA. Identifiers: Orphanet 970, MedGen C2752089, MONDO:0024309, OMIM 201300.
Pseudohypoaldosteronism type 2C (PHA2C). Also called: Pseudohypoaldosteronism Type IIC. Identifiers: Orphanet 757, Orphanet 88940, MedGen C1840391, MONDO:0013778, OMIM 614492.

gnomAD v4.1: 4 of 1,599,550 alleles (0.00025%); highest among the groups gnomAD compares: East Asian, 0.0022%; no homozygotes.

Submission:

Labcorp Genetics (formerly Invitae), Labcorp
Classification: Uncertain significance for Neuropathy, hereditary sensory and autonomic, type 2A; Pseudohypoaldosteronism type 2C. Last evaluated: 2025-01-08. Review status: criteria provided, single submitter. Criteria: Invitae Variant Classification Sherloc (09022015). Collection method: clinical testing. Allele origin: germline.
Comment: This sequence change replaces histidine, which is basic and polar, with tyrosine, which is neutral and polar, at codon 1172 of the WNK1 protein (p.His1172Tyr). This variant is present in population databases (no rsID available, gnomAD 0.006%). This variant has not been reported in the literature in individuals affected with WNK1-related conditions. Invitae Evidence Modeling of protein sequence and biophysical properties (such as structural, functional, and spatial information, amino acid conservation, physicochemical variation, residue mobility, and thermodynamic stability) indicates that this missense variant is not expected to disrupt WNK1 protein function with a negative predictive value of 95%. In summary, the available evidence is currently insufficient to determine the role of this variant in disease. Therefore, it has been classified as a Variant of Uncertain Significance.